The following is an entry in ClinVar:

NM_001378615.1(CC2D2A):c.4507dup (p.Ile1503fs)

Genes: CC2D2A (coiled-coil and C2 domain containing 2A; plus strand), FBXL5 (F-box and leucine rich repeat protein 5; minus strand). Cytogenetic location: 4p15.32.
Variant type: Duplication.
Coding change: c.4507dup on transcript NM_001378615.1 (MANE Select); coding-DNA position 4507, one base duplicated (A; older notation c.4507dupA).
Protein change: p.Ile1503fs; shifts the reading frame from isoleucine 1503.
Molecular consequence: frameshift variant.
Genome position (GRCh38, 1-based): chr4:15,599,539, A duplicated; the last of 6 consecutive A bases (chr4:15,599,534-15,599,539); duplicating any one gives the same sequence. VCF-style (leftmost placement, unchanged base first): chr4-15599533-G-GA. GRCh37 (hg19) VCF-style: chr4-15601156-G-GA.
Other names: c.4507dup, p.Ile1503fs (NM_001080522.2); c.4360dup, p.Ile1454fs (NM_001378617.1); short protein forms I1454fs, I1503fs.
Identifiers: ClinVar variation 2947848 (VCV002947848.3), dbSNP rs2475156660, ClinGen allele CA2670080719.
Genomic context (GRCh38, chr4:15,599,533, plus strand): 5'-TTTTTAACAAGGGAAAAGTGAGTCACCAAAAAATGGAATTTATGTTTTGTGAACAGGATT[G>GA]AAAAAATACTAAAAGAAAAAATCATGGACTGGAGGCCACGCCATCTGACTCGGTGGAATA-3'

ClinVar aggregate classification (germline): Pathogenic (1 of 4 stars; one submission).

Conditions:
Joubert syndrome. Also called: JOUBERT-BOLTSHAUSER SYNDROME; Familial aplasia of the vermis. Identifiers: Orphanet 475, MedGen C5979921, MONDO:0018772.
Meckel-Gruber syndrome. Also called: DYSENCEPHALIA SPLANCHNOCYSTICA; GRUBER SYNDROME; Dysencephalia splachnocystica. Identifiers: Orphanet 564, MedGen C0265215, MONDO:0018921.

Submission:

Labcorp Genetics (formerly Invitae), Labcorp
Classification: Pathogenic for Joubert syndrome; Meckel-Gruber syndrome. Last evaluated: 2025-04-07. Review status: criteria provided, single submitter. Criteria: Invitae Variant Classification Sherloc (09022015). Collection method: clinical testing. Allele origin: germline.
Comment: This sequence change creates a premature translational stop signal (p.Ile1503Asnfs*19) in the CC2D2A gene. It is expected to result in an absent or disrupted protein product. Loss-of-function variants in CC2D2A are known to be pathogenic (PMID: 19777577). This variant is not present in population databases (gnomAD no frequency). This variant has not been reported in the literature in individuals affected with CC2D2A-related conditions. ClinVar contains an entry for this variant (Variation ID: 2947848). For these reasons, this variant has been classified as Pathogenic.

Literature cited by the submitters: PubMed 19777577.